The following is an entry in ClinVar:

NM_000168.6(GLI3):c.1315C>T (p.Pro439Ser)

Gene: GLI3 (GLI family zinc finger 3; minus strand). Cytogenetic location: 7p14.1.
Variant type: single nucleotide variant.
Coding change: c.1315C>T on transcript NM_000168.6 (MANE Select); coding-DNA position 1315, C replaced by T.
Protein change: p.Pro439Ser; replaces proline 439 with serine.
Molecular consequence: missense variant.
Genome position (GRCh38, 1-based): chr7:42,025,305, G>A on the plus strand (C>T on the coding strand, the complement: GLI3 is on the minus strand). VCF-style: chr7-42025305-G-A. GRCh37 (hg19) VCF-style: chr7-42064904-G-A.
Other names: short protein forms P439S.
Identifiers: ClinVar variation 932002 (VCV000932002.3), dbSNP rs1789080071, ClinGen allele CA367325262.

ClinVar aggregate classification (germline): Uncertain significance (1 of 4 stars; one submission).

Conditions:
Pallister-Hall syndrome (PHS). Also called: HYPOTHALAMIC HAMARTOBLASTOMA, HYPOPITUITARISM, IMPERFORATE ANUS, AND POSTAXIAL POLYDACTYLY; GLI3-Related Pallister-Hall Syndrome. Identifiers: Orphanet 672, MedGen C0265220, MONDO:0007804, OMIM 146510.

Submission:

Centre for Mendelian Genomics, University Medical Centre Ljubljana
Classification: Uncertain significance for Pallister-Hall syndrome. Last evaluated: 2019-02-13. Review status: criteria provided, single submitter. Criteria: ACMG Guidelines, 2015. Collection method: clinical testing. Allele origin: unknown. Affected: yes.
Comment: This variant was classified as: Uncertain significance. The available evidence on this variant's pathogenicity is insufficient or conflicting. The following ACMG criteria were applied in classifying this variant: PM2.